The following is an entry in ClinVar:

NM_024426.6(WT1):c.444G>T (p.Glu148Asp)

Genes: WT1 (WT1 transcription factor; minus strand), LOC107982234 (WT1/WT1-AS bi-directional promoter region; plus strand). Cytogenetic location: 11p13.
Variant type: single nucleotide variant.
Coding change: c.444G>T on transcript NM_024426.6 (MANE Select); coding-DNA position 444, G replaced by T.
Protein change: p.Glu148Asp; replaces glutamic acid 148 with aspartic acid.
Molecular consequence: missense variant. On other transcripts: non-coding transcript variant (2).
Genome position (GRCh38, 1-based): chr11:32,434,917, C>A on the plus strand (G>T on the coding strand, the complement: WT1 is on the minus strand). VCF-style: chr11-32434917-C-A. GRCh37 (hg19) VCF-style: chr11-32456463-C-A.
Other names: c.444G>T, p.Glu148Asp (NM_001407045.1, NM_001407046.1, NM_001407047.1 and 6 more transcripts); c.225G>T, p.Glu75Asp (NM_001429031.1, NM_001429032.1, NM_001429033.1 and 1 more transcripts); short protein forms E75D, E148D, E143D.
Identifiers: ClinVar variation 4825396 (VCV004825396.1).

ClinVar aggregate classification (germline): Uncertain significance (1 of 4 stars; one submission).

Conditions:
Inborn genetic diseases. Identifiers: MedGen C0950123, MeSH D030342.

Submission:

Ambry Genetics
Classification: Uncertain significance for Inborn genetic diseases. Last evaluated: 2026-01-24. Review status: criteria provided, single submitter. Criteria: Ambry Variant Classification Scheme 2023. Collection method: clinical testing. Allele origin: germline.
Comment: The p.E143D variant (also known as c.429G>T), located in coding exon 1 of the WT1 gene, results from a G to T substitution at nucleotide position 429. The glutamic acid at codon 143 is replaced by aspartic acid, an amino acid with highly similar properties. This amino acid position is conserved. In addition, this alteration is predicted to be tolerated by in silico analysis. Based on the available evidence, the clinical significance of this variant remains unclear.